The following is an entry in ClinVar:

ClinVar aggregate classification (germline): Likely benign (1 of 4 stars; one submission).

gnomAD v4.1: 293 of 1,403,172 alleles (0.021%); highest among the groups gnomAD compares: African/African-American, 0.4%; 1 homozygote.

Submission:

Mayo Clinic Laboratories, Mayo Clinic
Classification: Likely benign. Last evaluated: 2025-01-27. Review status: criteria provided, single submitter. Criteria: ACMG Guidelines, 2015. Collection method: clinical testing. Allele origin: germline. Observed: 3 variant alleles.
Comment: BS1, BP4, BP7

NM_003846.3(PEX11B):c.375-30C>G

Gene: PEX11B (peroxisomal biogenesis factor 11 beta; minus strand). Cytogenetic location: 1q21.1.
Variant type: single nucleotide variant.
Coding change: c.375-30C>G on transcript NM_003846.3 (MANE Select); 30 bases into the intron before coding-DNA position 375, C replaced by G.
Molecular consequence: intron variant.
Genome position (GRCh38, 1-based): chr1:145,912,596, G>C on the plus strand (C>G on the coding strand, the complement: PEX11B is on the minus strand). VCF-style: chr1-145912596-G-C. GRCh37 (hg19) VCF-style: chr1-145522484-C-G.
Other names: p.?; c.333-30C>G (NM_001184795.1).
Identifiers: ClinVar variation 4683444 (VCV004683444.1).